The following is an entry in ClinVar:

NM_015295.3(SMCHD1):c.2860T>G (p.Leu954Val)

Gene: SMCHD1 (structural maintenance of chromosomes flexible hinge domain containing 1; plus strand). Cytogenetic location: 18p11.32.
Variant type: single nucleotide variant.
Coding change: c.2860T>G on transcript NM_015295.3 (MANE Select); coding-DNA position 2860, T replaced by G.
Protein change: p.Leu954Val; replaces leucine 954 with valine.
Molecular consequence: missense variant.
Genome position (GRCh38, 1-based): chr18:2,728,543, T>G. VCF-style: chr18-2728543-T-G. GRCh37 (hg19) VCF-style: chr18-2728541-T-G.
Other names: short protein forms L954V.
Identifiers: ClinVar variation 2177829 (VCV002177829.4), dbSNP rs967876530, ClinGen allele CA295468399.

ClinVar aggregate classification (germline): Uncertain significance (1 of 4 stars; one submission).

Conditions:
Facioscapulohumeral muscular dystrophy 2 (FSHD2). Also called: MUSCULAR DYSTROPHY, FACIOSCAPULOHUMERAL, TYPE 1B; FACIOSCAPULOHUMERAL MUSCULAR DYSTROPHY 2, DIGENIC; FSHD2, DIGENIC. Identifiers: Orphanet 269, MedGen C1834671, MONDO:0008031, OMIM 158901.

Allele frequency attached by ClinVar (database versions not stated): gnomAD 0.00003; TOPMed 0.00003.
gnomAD v4.1: 5 of 1,613,200 alleles (0.00031%); highest among the groups gnomAD compares: African/African-American, 0.0067%; no homozygotes.

Submission:

Labcorp Genetics (formerly Invitae), Labcorp
Classification: Uncertain significance for Facioscapulohumeral muscular dystrophy 2. Last evaluated: 2022-03-31. Review status: criteria provided, single submitter. Criteria: Invitae Variant Classification Sherloc (09022015). Collection method: clinical testing. Allele origin: germline.
Comment: In summary, the available evidence is currently insufficient to determine the role of this variant in disease. Therefore, it has been classified as a Variant of Uncertain Significance. Algorithms developed to predict the effect of missense changes on protein structure and function output the following: SIFT: "Tolerated"; PolyPhen-2: "Benign"; Align-GVGD: "Class C0". The valine amino acid residue is found in multiple mammalian species, which suggests that this missense change does not adversely affect protein function. This variant has not been reported in the literature in individuals affected with SMCHD1-related conditions. This variant is present in population databases (no rsID available, gnomAD 0.008%). This sequence change replaces leucine, which is neutral and non-polar, with valine, which is neutral and non-polar, at codon 954 of the SMCHD1 protein (p.Leu954Val).